The following is an entry in ClinVar:

NM_001037333.3(CYFIP2):c.1864T>G (p.Phe622Val)

Gene: CYFIP2 (cytoplasmic FMR1 interacting protein 2; plus strand). Cytogenetic location: 5q33.3.
Variant type: single nucleotide variant.
Coding change: c.1864T>G on transcript NM_001037333.3 (MANE Select); coding-DNA position 1864, T replaced by G.
Protein change: p.Phe622Val; replaces phenylalanine 622 with valine.
Molecular consequence: missense variant.
Genome position (GRCh38, 1-based): chr5:157,325,520, T>G. VCF-style: chr5-157325520-T-G. GRCh37 (hg19) VCF-style: chr5-156752528-T-G.
Other names: c.1786T>G, p.Phe596Val (NM_001291721.2); c.1939T>G, p.Phe647Val (NM_001291722.2); c.1864T>G, p.Phe622Val (NM_014376.4); short protein forms F647V, F596V, F622V.
Identifiers: ClinVar variation 3722200 (VCV003722200.2).

ClinVar aggregate classification (germline): Uncertain significance (1 of 4 stars; one submission).

Submission:

Labcorp Genetics (formerly Invitae), Labcorp
Classification: Uncertain significance. Last evaluated: 2024-10-04. Review status: criteria provided, single submitter. Criteria: Invitae Variant Classification Sherloc (09022015). Collection method: clinical testing. Allele origin: germline.
Comment: This sequence change replaces phenylalanine, which is neutral and non-polar, with valine, which is neutral and non-polar, at codon 622 of the CYFIP2 protein (p.Phe622Val). This variant is not present in population databases (gnomAD no frequency). This variant has not been reported in the literature in individuals affected with CYFIP2-related conditions. Experimental studies and prediction algorithms are not available or were not evaluated, and the functional significance of this variant is currently unknown. In summary, the available evidence is currently insufficient to determine the role of this variant in disease. Therefore, it has been classified as a Variant of Uncertain Significance.